The following is an entry in ClinVar:

ClinVar aggregate classification (germline): Uncertain significance. Review status: criteria provided, multiple submitters, no conflicts (2 of 4 stars). 6 submissions from 5 submitters: Uncertain significance (6). Last evaluated 2026-03-19.

Conditions:
ATR-related disorder. Also called: ATR-related condition.
Familial cutaneous telangiectasia and oropharyngeal predisposition cancer syndrome. Identifiers: Orphanet 313846, MedGen C3281203, MONDO:0013806, OMIM 614564.
Seckel syndrome 1 (SCKL1). Also called: MICROCEPHALIC PRIMORDIAL DWARFISM I. Identifiers: Orphanet 808, MedGen C4551474, MONDO:0008869, OMIM 210600.

Allele frequency attached by ClinVar (database versions not stated): TOPMed 0.00003; gnomAD 0.00004; gnomAD exomes 0.00008 and 0.00010; ExAC 0.00009.

Submissions (6):

PreventionGenetics, part of Exact Sciences
Classification: Uncertain significance for ATR-related condition. Last evaluated: 2026-03-19. Review status: criteria provided, single submitter. Criteria: ACMG Guidelines, 2015. Collection method: clinical testing. Allele origin: germline.
Comment: The ATR c.3945+2dupT variant is predicted to result in an intronic duplication. This variant is predicted to alter splicing based on available splicing prediction programs (SpliceAI, Jaganathan et al. 2019. PubMed ID: 30661751). However, the use of computer prediction programs is not equivalent to functional evidence. To our knowledge, this variant has not been reported in the literature. This variant is reported in 0.016% of alleles in individuals of European (Non-Finnish) descent in gnomAD. At this time, the clinical significance of this variant is uncertain due to the absence of conclusive functional and genetic evidence.

Labcorp Genetics (formerly Invitae), Labcorp
Classification: Uncertain significance. Last evaluated: 2025-11-05. Review status: criteria provided, single submitter. Criteria: Invitae Variant Classification Sherloc (09022015). Collection method: clinical testing. Allele origin: germline.
Comment: This sequence change falls in intron 21 of the ATR gene. It does not directly change the encoded amino acid sequence of the ATR protein. It affects a nucleotide within the consensus splice site. This variant is present in population databases (rs537031994, gnomAD 0.02%). This variant has not been reported in the literature in individuals affected with ATR-related conditions. ClinVar contains an entry for this variant (Variation ID: 343608). Variants that disrupt the consensus splice site are a relatively common cause of aberrant splicing (PMID: 17576681, 9536098). Algorithms developed to predict the effect of sequence changes on RNA splicing suggest that this variant may disrupt the consensus splice site. In summary, the available evidence is currently insufficient to determine the role of this variant in disease. Therefore, it has been classified as a Variant of Uncertain Significance.

Genome-Nilou Lab
Classification: Uncertain significance for Seckel syndrome 1. Last evaluated: 2023-02-08. Review status: criteria provided, single submitter. Criteria: ACMG Guidelines, 2015. Collection method: clinical testing. Allele origin: germline.

Genome-Nilou Lab
Classification: Uncertain significance for Familial cutaneous telangiectasia and oropharyngeal predisposition cancer syndrome. Last evaluated: 2023-02-08. Review status: criteria provided, single submitter. Criteria: ACMG Guidelines, 2015. Collection method: clinical testing. Allele origin: germline.

Blueprint Genetics
Classification: Uncertain significance. Last evaluated: 2020-10-13. Review status: criteria provided, single submitter. Criteria: ACMG Guidelines, 2015. Collection method: clinical testing. Allele origin: germline.

GeneDx
Classification: Uncertain significance. Last evaluated: 2016-07-08. Review status: criteria provided, single submitter. Criteria: GeneDx Variant Classification (06012015). Collection method: clinical testing. Allele origin: germline. Affected: yes.
Comment: The c.3945+2dupT variant in the ATR gene has not been reported previously as a pathogenic variant nor as a benign variant, to our knowledge. This splice site variant destroys the canonical splice donor site in intron 21, resulting in an in-frame protein product with an abnormal message. However, in the absence of RNA/functional studies, the actual effect of c.3945+2dupT is unknown. The c.3945+2dupT variant variant was not observed in approximately 6500 individuals of European and African American ancestry in the NHLBI Exome Sequencing Project, indicating it is not a common benign variant in these populations. We interpret c.3945+2dupT variant as a variant of uncertain significance.

Literature cited by the submitters: PubMed 17576681 (cited by Labcorp Genetics (formerly Invitae), Labcorp); PubMed 9536098 (cited by Labcorp Genetics (formerly Invitae), Labcorp).

NM_001184.4(ATR):c.3945+2dup

Gene: ATR (ATR checkpoint kinase; minus strand). Cytogenetic location: 3q23.
Variant type: Duplication.
Coding change: c.3945+2dup on transcript NM_001184.4 (MANE Select); the canonical splice donor site of the intron after coding-DNA position 3945, one base duplicated (T; older notation c.3945+2dupT).
Molecular consequence: splice donor variant.
Genome position (GRCh38, 1-based): chr3:142,535,078, A duplicated on the plus strand (T on the coding strand, the reverse complement: ATR is on the minus strand). VCF-style (leftmost placement, unchanged base first): chr3-142535077-T-TA. GRCh37 (hg19) VCF-style: chr3-142253919-T-TA.
Other names: c.3753+2dup (NM_001354579.2).
Identifiers: ClinVar variation 343608 (VCV000343608.13), dbSNP rs537031994, ClinGen allele CA2649962.